The following is an entry in ClinVar:

NM_020884.7(MYH7B):c.3436G>A (p.Ala1146Thr)

Gene: MYH7B (myosin heavy chain 7B; plus strand). Cytogenetic location: 20q11.22.
Variant type: single nucleotide variant.
Coding change: c.3436G>A on transcript NM_020884.7 (MANE Select); coding-DNA position 3436, G replaced by A.
Protein change: p.Ala1146Thr; replaces alanine 1146 with threonine.
Molecular consequence: missense variant.
Genome position (GRCh38, 1-based): chr20:34,997,329, G>A. VCF-style: chr20-34997329-G-A. GRCh37 (hg19) VCF-style: chr20-33585132-G-A.
Other names: short protein forms A1146T.
Identifiers: ClinVar variation 1363501 (VCV001363501.8), dbSNP rs758267969, ClinGen allele CA9827730.
Genomic context (GRCh38, chr20:34,997,329, plus strand): 5'-GAAGAGGAGCTGGAGGCAGAGCGGGCAGCCCGGGCCCGCGTGGAGAAGCAGCGTGCAGAG[G>A]CGGCGCGGGAGCTGGAGGAGCTGAGCGAGCGGCTGGAGGAGGCAGGCGGCGCATCCGCGG-3'
Protein context (NP_065935.4, residues 1136-1156): RARVEKQRAE[Ala1146Thr]ARELEELSER

ClinVar aggregate classification (germline): Uncertain significance (1 of 4 stars; one submission).

Allele frequency attached by ClinVar (database versions not stated): TOPMed 0.00002; gnomAD 0.00005; ExAC 0.00007.
gnomAD v4.1: 13 of 1,547,408 alleles (0.00084%); highest among the groups gnomAD compares: Admixed American, 0.0079%; no homozygotes.

Submission:

Labcorp Genetics (formerly Invitae), Labcorp
Classification: Uncertain significance. Last evaluated: 2021-05-10. Review status: criteria provided, single submitter. Criteria: Invitae Variant Classification Sherloc (09022015). Collection method: clinical testing. Allele origin: germline.
Comment: In summary, the available evidence is currently insufficient to determine the role of this variant in disease. Therefore, it has been classified as a Variant of Uncertain Significance. Algorithms developed to predict the effect of missense changes on protein structure and function are either unavailable or do not agree on the potential impact of this missense change (SIFT: "Deleterious"; PolyPhen-2: "Benign"; Align-GVGD: "Class C0"). This variant has not been reported in the literature in individuals with MYH7B-related conditions. While this variant is present in population databases (rs758267969), the frequency information is unreliable, as metrics indicate poor data quality at this position in the ExAC database. This sequence change replaces alanine with threonine at codon 1188 of the MYH7B protein (p.Ala1188Thr). The alanine residue is highly conserved and there is a small physicochemical difference between alanine and threonine.